The following is an entry in ClinVar:

NM_001256789.3(CACNA1F):c.580G>T (p.Gly194Trp)

Gene: CACNA1F (calcium voltage-gated channel subunit alpha1 F; minus strand). Cytogenetic location: Xp11.23.
Variant type: single nucleotide variant.
Coding change: c.580G>T on transcript NM_001256789.3 (MANE Select); coding-DNA position 580, G replaced by T.
Protein change: p.Gly194Trp; replaces glycine 194 with tryptophan.
Molecular consequence: missense variant.
Genome position (GRCh38, 1-based): chrX:49,230,551, C>A on the plus strand (G>T on the coding strand, the complement: CACNA1F is on the minus strand). VCF-style: chrX-49230551-C-A. GRCh37 (hg19) VCF-style: chrX-49087013-C-A.
Other names: c.385G>T, p.Gly129Trp (NM_001256790.3); c.580G>T, p.Gly194Trp (NM_005183.4); short protein forms G194W, G129W.
Identifiers: ClinVar variation 1387724 (VCV001387724.6), dbSNP rs868951993, ClinGen allele CA412925439.
Genomic context (GRCh38, chrX:49,230,551, plus strand): 5'-GTGGCCGCAGCACCCGAAACGCCCTCAATGCCTTCACATCGAAGCCTCCTGGCTTTCCCC[C>A]GGTGTGCGGGGCGTCGCCTGGCCGTCCGGGGCCCTGCTCCAGCAGAACGCTGAACAGCCT-3'
Protein context (NP_001243718.1, residues 184-204): PGRPGDAPHT[Gly194Trp]GKPGGFDVKA

ClinVar aggregate classification (germline): Uncertain significance (1 of 4 stars; one submission).

gnomAD v4.1: 3 of 1,189,226 alleles (0.00025%); highest among the groups gnomAD compares: Non-Finnish European, 0.00034%; no homozygotes.

Submission:

Labcorp Genetics (formerly Invitae), Labcorp
Classification: Uncertain significance. Last evaluated: 2022-11-01. Review status: criteria provided, single submitter. Criteria: Invitae Variant Classification Sherloc (09022015). Collection method: clinical testing. Allele origin: germline.
Comment: In summary, the available evidence is currently insufficient to determine the role of this variant in disease. Therefore, it has been classified as a Variant of Uncertain Significance. Algorithms developed to predict the effect of missense changes on protein structure and function are either unavailable or do not agree on the potential impact of this missense change (SIFT: "Deleterious"; PolyPhen-2: "Probably Damaging"; Align-GVGD: "Class C0"). ClinVar contains an entry for this variant (Variation ID: 1387724). This variant has not been reported in the literature in individuals affected with CACNA1F-related conditions. The frequency data for this variant in the population databases is considered unreliable, as metrics indicate poor data quality at this position in the gnomAD database. This sequence change replaces glycine, which is neutral and non-polar, with tryptophan, which is neutral and slightly polar, at codon 194 of the CACNA1F protein (p.Gly194Trp).